The following is an entry in ClinVar:

NM_016247.4(IMPG2):c.1728C>G (p.Val576=)

Gene: IMPG2 (interphotoreceptor matrix proteoglycan 2; minus strand). Cytogenetic location: 3q12.3.
Variant type: single nucleotide variant.
Coding change: c.1728C>G on transcript NM_016247.4 (MANE Select); coding-DNA position 1728, C replaced by G.
Protein change: p.Val576=; no amino-acid change (valine 576 retained).
Molecular consequence: synonymous variant.
Genome position (GRCh38, 1-based): chr3:101,244,603, G>C on the plus strand (C>G on the coding strand, the complement: IMPG2 is on the minus strand). VCF-style: chr3-101244603-G-C. GRCh37 (hg19) VCF-style: chr3-100963447-G-C.
Identifiers: ClinVar variation 900268 (VCV000900268.14), dbSNP rs556074974, ClinGen allele CA2519102.

ClinVar aggregate classification (germline): Conflicting classifications of pathogenicity. Review status: criteria provided, conflicting classifications (1 of 4 stars). 4 submissions from 4 submitters: Uncertain significance (1); Likely benign (3). Last evaluated 2025-08-24.

Conditions:
IMPG2-related disorder. Also called: IMPG2-related condition.
Retinitis pigmentosa (RP). Identifiers: Orphanet 791, MedGen C0035334, MeSH D012174, MONDO:0019200, OMIM 268000. Inheritance: Autosomal dominant, autosomal recessive and X linked inheritance.

Allele frequency attached by ClinVar (database versions not stated): ExAC 0.00004; gnomAD exomes 0.00005 and 0.00007; gnomAD 0.00008 and 0.00009; TOPMed 0.00008; 1000 Genomes Project 30x 0.00016; 1000 Genomes Project 0.00020.
gnomAD v4.1: 109 of 1,598,764 alleles (0.0068%); highest among the groups gnomAD compares: Non-Finnish European, 0.0089%; no homozygotes.

Submissions (4):

Labcorp Genetics (formerly Invitae), Labcorp
Classification: Likely benign. Last evaluated: 2025-08-24. Review status: criteria provided, single submitter. Criteria: Invitae Variant Classification Sherloc (09022015). Collection method: clinical testing. Allele origin: germline.

PreventionGenetics, part of Exact Sciences
Classification: Likely benign for IMPG2-related condition. Last evaluated: 2025-01-17. Review status: criteria provided, single submitter. Criteria: ACMG Guidelines, 2015. Collection method: clinical testing. Allele origin: germline.
Comment: This variant is classified as likely benign based on ACMG/AMP sequence variant interpretation guidelines (Richards et al. 2015 PMID: 25741868, with internal and published modifications).

Blueprint Genetics
Classification: Likely benign. Last evaluated: 2024-07-19. Review status: criteria provided, single submitter. Criteria: ACMG Guidelines, 2015. Collection method: clinical testing. Allele origin: germline.

Illumina Laboratory Services, Illumina
Classification: Uncertain significance for Retinitis pigmentosa. Last evaluated: 2018-01-12. Review status: criteria provided, single submitter. Criteria: ICSL Variant Classification Criteria 13 December 2019. Collection method: clinical testing. Allele origin: germline.